The following is an entry in ClinVar:

ClinVar aggregate classification (germline): Conflicting classifications of pathogenicity. Review status: criteria provided, conflicting classifications (1 of 4 stars). 9 submissions from 9 submitters: Uncertain significance (7); Likely benign (2). Last evaluated 2026-01-31.

Conditions:
DNAH5-related disorder. Also called: DNAH5-related condition.
Primary ciliary dyskinesia. Also called: Ciliary dyskinesia. Identifiers: Orphanet 244, MedGen C0008780, MONDO:0016575, HP:0012265.
Primary ciliary dyskinesia 3. Identifiers: Orphanet 244, MedGen C1837618, MONDO:0012085, OMIM 608644.

Allele frequency attached by ClinVar (database versions not stated): gnomAD exomes 0.00011 and 0.00023; ExAC 0.00031; ESP Exome Variant Server 0.00054; gnomAD 0.00085 and 0.00086; TOPMed 0.00104; 1000 Genomes Project 0.00140; 1000 Genomes Project 30x 0.00172.
gnomAD v4.1: 287 of 1,614,006 alleles (0.018%); highest among the groups gnomAD compares: African/African-American, 0.32%; 1 homozygote.

Submissions (9):

Labcorp Genetics (formerly Invitae), Labcorp
Classification: Likely benign for Primary ciliary dyskinesia. Last evaluated: 2026-01-31. Review status: criteria provided, single submitter. Criteria: Invitae Variant Classification Sherloc (09022015). Collection method: clinical testing. Allele origin: germline.

PreventionGenetics, part of Exact Sciences
Classification: Likely benign for DNAH5-related condition. Last evaluated: 2025-11-24. Review status: criteria provided, single submitter. Criteria: ACMG Guidelines, 2015. Collection method: clinical testing. Allele origin: germline.
Comment: This variant is classified as likely benign based on ACMG/AMP sequence variant interpretation guidelines (Richards et al. 2015 PMID: 25741868, with internal and published modifications).

GeneDx
Classification: Uncertain significance. Last evaluated: 2025-02-03. Review status: criteria provided, single submitter. Criteria: GeneDx Variant Classification Process June 2021. Collection method: clinical testing. Allele origin: germline. Affected: yes.
Comment: In silico analysis supports that this missense variant has a deleterious effect on protein structure/function; Has not been previously published as pathogenic or benign to our knowledge

Mayo Clinic Laboratories, Mayo Clinic
Classification: Uncertain significance. Last evaluated: 2025-01-17. Review status: criteria provided, single submitter. Criteria: ACMG Guidelines, 2015. Collection method: clinical testing. Allele origin: germline. Observed: 1 variant allele.

Blueprint Genetics
Classification: Uncertain significance. Last evaluated: 2024-01-23. Review status: criteria provided, single submitter. Criteria: ACMG Guidelines, 2015. Collection method: clinical testing. Allele origin: germline.

Baylor Genetics
Classification: Uncertain significance for Primary ciliary dyskinesia 3. Last evaluated: 2020-06-17. Review status: criteria provided, single submitter. Criteria: ACMG Guidelines, 2015. Collection method: clinical testing. Allele origin: unknown. Affected: yes.
Comment: This variant was determined to be of uncertain significance according to ACMG Guidelines, 2015 [PMID:25741868].

Illumina Laboratory Services, Illumina
Classification: Uncertain significance for Primary ciliary dyskinesia 3. Last evaluated: 2018-01-12. Review status: criteria provided, single submitter. Criteria: ICSL Variant Classification Criteria 13 December 2019. Collection method: clinical testing. Allele origin: germline.

Ambry Genetics
Classification: Uncertain significance for Primary ciliary dyskinesia. Last evaluated: 2017-03-13. Review status: criteria provided, single submitter. Criteria: Ambry Variant Classification Scheme 2023. Collection method: clinical testing. Allele origin: germline.
Comment: The p.T2251M variant (also known as c.6752C>T), located in coding exon 41 of the DNAH5 gene, results from a C to T substitution at nucleotide position 6752. The threonine at codon 2251 is replaced by methionine, an amino acid with similar properties. This amino acid position is highly conserved in available vertebrate species. In addition, the in silico prediction for this alteration is inconclusive. Since supporting evidence is limited at this time, the clinical significance of this alteration remains unclear.

Eurofins Ntd Llc (ga)
Classification: Uncertain significance. Last evaluated: 2016-11-09. Review status: criteria provided, single submitter. Criteria: EGL Classification Definitions 2015. Collection method: clinical testing. Allele origin: germline. Observed: 1 variant allele, 1 heterozygote.

NM_001369.3(DNAH5):c.6752C>T (p.Thr2251Met)

Gene: DNAH5 (dynein axonemal heavy chain 5; minus strand). Cytogenetic location: 5p15.2.
Variant type: single nucleotide variant.
Coding change: c.6752C>T on transcript NM_001369.3 (MANE Select); coding-DNA position 6752, C replaced by T.
Protein change: p.Thr2251Met; replaces threonine 2251 with methionine.
Molecular consequence: missense variant.
Genome position (GRCh38, 1-based): chr5:13,820,435, G>A on the plus strand (C>T on the coding strand, the complement: DNAH5 is on the minus strand). VCF-style: chr5-13820435-G-A. GRCh37 (hg19) VCF-style: chr5-13820544-G-A.
Other names: p.Thr2251Met; short protein forms T2251M.
Identifiers: ClinVar variation 498559 (VCV000498559.26), dbSNP rs146392250, ClinGen allele CA3203288.